The following is an entry in ClinVar:

ClinVar aggregate classification (germline): Likely pathogenic (1 of 4 stars; one submission).

Conditions:
Dejerine-Sottas disease. Also called: DEJERINE-SOTTAS NEUROPATHY; HEREDITARY MOTOR AND SENSORY NEUROPATHY TYPE III; Charcot-Marie-Tooth disease type 3; HMSN Type III; Hereditary motor and sensory neuropathy 3. Identifiers: Orphanet 64748, MedGen C0011195, MONDO:0007790, OMIM 145900.

Submission:

Diagnostics Services (NGS), CSIR - Centre For Cellular And Molecular Biology
Classification: Likely pathogenic for Dejerine-Sottas disease. Last evaluated: 2025-11-19. Review status: criteria provided, single submitter. Criteria: ACMG Guidelines, 2015. Collection method: clinical testing. Allele origin: germline. Affected: yes. Observed: 1 variant allele, 1 heterozygote.
Comment: The c.1150C>A variant is not present in publicly available population databases like 1000 Genomes, EVS, gnomAD, Indian Exome Database or our internal database. This variant has neither been published in the literature for EGR2-related conditions nor reported to clinical databases like Human Genome Mutation database (HGMD), OMIM, or ClinVar in any affected individuals. In-silico pathogenicity prediction programs like SIFT, Polyphen-2, MutationTaster2, CADD, Varsome, Franklin, etc predicted this variant to be likely deleterious, however these predictions were not confirmed by any published functional studies. This variant is present in a mutational hotspot region of the gene and different amino acid changes in the same codon (His384Arg, His384Gln) have been previously observed in affected individuals and reported to the ClinVar database as ‘Pathogenic’. This variant has been classified as Likely Pathogenic following the PM1, PM2, PM5, PP3 criterias of ACMG guidelines.

NM_000399.5(EGR2):c.1150C>A (p.His384Asn)

Gene: EGR2 (early growth response 2; minus strand). Cytogenetic location: 10q21.3.
Variant type: single nucleotide variant.
Coding change: c.1150C>A on transcript NM_000399.5 (MANE Select); coding-DNA position 1150, C replaced by A.
Protein change: p.His384Asn; replaces histidine 384 with asparagine.
Molecular consequence: missense variant.
Genome position (GRCh38, 1-based): chr10:62,813,488, G>T on the plus strand (C>A on the coding strand, the complement: EGR2 is on the minus strand). VCF-style: chr10-62813488-G-T. GRCh37 (hg19) VCF-style: chr10-64573248-G-T.
Other names: c.1150C>A, p.His384Asn (NM_001136177.3, NM_001136178.2); c.1000C>A, p.His334Asn (NM_001136179.3, NM_001321037.2); c.1189C>A, p.His397Asn (NM_001410931.1); short protein forms H334N, H384N, H397N.
Identifiers: ClinVar variation 4533284 (VCV004533284.1).
Genomic context (GRCh38, chr10:62,813,488, plus strand): 5'-CACAGTAGTCACAGGCGAAGGGCTTCTCACCGGTGTGGGTGCGGATATGGGTGGTGAGGT[G>T]GTCACTGCGGCTGAAGTTGCGCATGCAGATCCGACACTGGAAGGGCTTATGCCCAGTGTG-3'
Protein context (NP_000390.2, residues 374-394): ICMRNFSRSD[His384Asn]LTTHIRTHTG